The following is an entry in ClinVar:

ClinVar aggregate classification (germline): Likely benign (1 of 4 stars; one submission).

Submission:

CeGaT Center for Human Genetics Tuebingen
Classification: Likely benign. Last evaluated: 2025-09-01. Review status: criteria provided, single submitter. Criteria: CeGaT Center For Human Genetics Tuebingen Variant Classification Criteria Version 2. Collection method: clinical testing. Allele origin: germline. Affected: yes. Observed: 1 variant allele.
Comment: ADPRHL1: PM2:Supporting, BP4, BP7

NM_001394807.1(ADPRHL1):c.5103G>A (p.Arg1701=)

Gene: ADPRHL1 (ADP-ribosylhydrolase like 1; minus strand). Cytogenetic location: 13q34.
Variant type: single nucleotide variant.
Coding change: c.5103G>A on transcript NM_001394807.1 (MANE Select); coding-DNA position 5103, G replaced by A.
Protein change: p.Arg1701=; no amino-acid change (arginine 1701 retained).
Molecular consequence: synonymous variant.
Genome position (GRCh38, 1-based): chr13:113,404,179, C>T on the plus strand (G>A on the coding strand, the complement: ADPRHL1 is on the minus strand). VCF-style: chr13-113404179-C-T. GRCh37 (hg19) VCF-style: chr13-114058494-C-T.
Other names: c.4011G>A, p.Arg1337= (NM_001304433.1, NM_001375393.1).
Identifiers: ClinVar variation 4281058 (VCV004281058.7).